The following is an entry in ClinVar:

ClinVar aggregate classification (germline): Uncertain significance (1 of 4 stars; one submission).

Conditions:
Neuropathy, hereditary sensory and autonomic, type 2A (HSAN2A). Also called: ACROOSTEOLYSIS, GIACCAI TYPE; ACROOSTEOLYSIS, NEUROGENIC; MORVAN DISEASE; NEUROPATHY, CONGENITAL SENSORY; NEUROPATHY, HEREDITARY SENSORY RADICULAR, AUTOSOMAL RECESSIVE; NEUROPATHY, HEREDITARY SENSORY, TYPE IIA. Identifiers: Orphanet 970, MedGen C2752089, MONDO:0024309, OMIM 201300.
Pseudohypoaldosteronism type 2C (PHA2C). Also called: Pseudohypoaldosteronism Type IIC. Identifiers: Orphanet 757, Orphanet 88940, MedGen C1840391, MONDO:0013778, OMIM 614492.

Allele frequency attached by ClinVar (database versions not stated): gnomAD 0.00001; gnomAD exomes 0.00001; TOPMed 0.00001.
gnomAD v4.1: 4 of 1,613,876 alleles (0.00025%); highest among the groups gnomAD compares: South Asian, 0.0022%; no homozygotes.

Submission:

Labcorp Genetics (formerly Invitae), Labcorp
Classification: Uncertain significance for Neuropathy, hereditary sensory and autonomic, type 2A; Pseudohypoaldosteronism type 2C. Last evaluated: 2021-12-21. Review status: criteria provided, single submitter. Criteria: Invitae Variant Classification Sherloc (09022015). Collection method: clinical testing. Allele origin: germline.
Comment: This sequence change replaces asparagine, which is neutral and polar, with serine, which is neutral and polar, at codon 2615 of the WNK1 protein (p.Asn2615Ser). This variant is not present in population databases (gnomAD no frequency). This variant has not been reported in the literature in individuals affected with WNK1-related conditions. Advanced modeling of protein sequence and biophysical properties (such as structural, functional, and spatial information, amino acid conservation, physicochemical variation, residue mobility, and thermodynamic stability) performed at Invitae indicates that this missense variant is not expected to disrupt WNK1 protein function. In summary, the available evidence is currently insufficient to determine the role of this variant in disease. Therefore, it has been classified as a Variant of Uncertain Significance.

NM_018979.4(WNK1):c.7088A>G (p.Asn2363Ser)

Gene: WNK1 (WNK lysine deficient protein kinase 1; plus strand). Cytogenetic location: 12p13.33.
Variant type: single nucleotide variant.
Coding change: c.7088A>G on transcript NM_018979.4 (MANE Select); coding-DNA position 7088, A replaced by G.
Protein change: p.Asn2363Ser; replaces asparagine 2363 with serine.
Molecular consequence: missense variant.
Genome position (GRCh38, 1-based): chr12:908,731, A>G. VCF-style: chr12-908731-A-G. GRCh37 (hg19) VCF-style: chr12-1017897-A-G.
Other names: c.7868A>G, p.Asn2623Ser (NM_001184985.2); c.6344A>G, p.Asn2115Ser (NM_014823.3); c.7844A>G, p.Asn2615Ser (NM_213655.5); short protein forms N2115S, N2363S, N2615S, N2623S.
Identifiers: ClinVar variation 2051171 (VCV002051171.4), dbSNP rs1024906884, ClinGen allele CA231498250.